The following is an entry in ClinVar:

NM_198053.3(CD247):c.370A>T (p.Ser124Cys)

Gene: CD247 (CD247 molecule; minus strand). Cytogenetic location: 1q24.2.
Variant type: single nucleotide variant.
Coding change: c.370A>T on transcript NM_198053.3 (MANE Select); coding-DNA position 370, A replaced by T.
Protein change: p.Ser124Cys; replaces serine 124 with cysteine.
Molecular consequence: missense variant.
Genome position (GRCh38, 1-based): chr1:167,434,043, T>A on the plus strand (A>T on the coding strand, the complement: CD247 is on the minus strand). VCF-style: chr1-167434043-T-A. GRCh37 (hg19) VCF-style: chr1-167403280-T-A.
Other names: c.367A>T, p.Ser123Cys (NM_000734.4); c.463A>T, p.Ser155Cys (NM_001378515.1); c.460A>T, p.Ser154Cys (NM_001378516.1); short protein forms S155C, S154C, S123C, S124C.
Identifiers: ClinVar variation 935817 (VCV000935817.6), dbSNP rs1651406974, ClinGen allele CA343461976.

ClinVar aggregate classification (germline): Uncertain significance (1 of 4 stars; one submission).

Conditions:
Immunodeficiency 25. Also called: Immunodeficiency due to defect in cd3-zeta, somatic. Identifiers: MedGen C1857798, MONDO:0012426, OMIM 610163.

Allele frequency attached by ClinVar (database versions not stated): gnomAD exomes below 0.00001.
gnomAD v4.1: 2 of 1,614,164 alleles (0.00012%); highest among the groups gnomAD compares: Non-Finnish European, 0.00017%; no homozygotes.

Submission:

Labcorp Genetics (formerly Invitae), Labcorp
Classification: Uncertain significance for Immunodeficiency 25. Last evaluated: 2019-07-25. Review status: criteria provided, single submitter. Criteria: Invitae Variant Classification Sherloc (09022015). Collection method: clinical testing. Allele origin: germline.
Comment: This sequence change replaces serine with cysteine at codon 124 of the CD247 protein (p.Ser124Cys). The serine residue is highly conserved and there is a moderate physicochemical difference between serine and cysteine. This variant is not present in population databases (ExAC no frequency). This variant has not been reported in the literature in individuals with CD247-related conditions. Algorithms developed to predict the effect of missense changes on protein structure and function are either unavailable or do not agree on the potential impact of this missense change (SIFT: "Deleterious"; PolyPhen-2: "Probably Damaging"; Align-GVGD: "Class C15"). In summary, the available evidence is currently insufficient to determine the role of this variant in disease. Therefore, it has been classified as a Variant of Uncertain Significance.